The following is an entry in ClinVar:

NM_000548.5(TSC2):c.410A>G (p.His137Arg)

Gene: TSC2 (TSC complex subunit 2; plus strand). Cytogenetic location: 16p13.3.
Variant type: single nucleotide variant.
Coding change: c.410A>G on transcript NM_000548.5 (MANE Select); coding-DNA position 410, A replaced by G.
Protein change: p.His137Arg; replaces histidine 137 with arginine.
Molecular consequence: missense variant. On other transcripts: intron variant (1).
Genome position (GRCh38, 1-based): chr16:2,054,369, A>G. VCF-style: chr16-2054369-A-G. GRCh37 (hg19) VCF-style: chr16-2104370-A-G.
Other names: c.410A>G, p.His137Arg (NM_001077183.3, NM_001114382.3, NM_001363528.2 and 3 more transcripts); c.299A>G, p.His100Arg (NM_001318827.2); c.263A>G, p.His88Arg (NM_001318829.2); c.443A>G, p.His148Arg (NM_001318832.2); c.-1-1827A>G (NM_001318831.2); short protein forms H137R, H148R, H88R, H100R.
Identifiers: ClinVar variation 49283 (VCV000049283.8), dbSNP rs45517107, ClinGen allele CA019961.

ClinVar aggregate classification (germline): Uncertain significance. Review status: criteria provided, single submitter (1 of 4 stars). 2 submissions from 2 submitters: Uncertain significance (1). 1 of the submissions does not count toward it. Last evaluated 2020-05-21.

Conditions:
Tuberous sclerosis 2 (TSC2). Identifiers: Orphanet 805, MedGen C1860707, MONDO:0013199, OMIM 613254.
Tuberous sclerosis syndrome (TSC). Also called: Tuberous Sclerosis Complex; Tuberous sclerosis. Identifiers: Orphanet 805, MedGen C0041341, MONDO:0001734.

Submissions (2):

Labcorp Genetics (formerly Invitae), Labcorp
Classification: Uncertain significance for Tuberous sclerosis 2. Last evaluated: 2020-05-21. Review status: criteria provided, single submitter. Criteria: Invitae Variant Classification Sherloc (09022015). Collection method: clinical testing. Allele origin: germline.
Comment: In summary, the available evidence is currently insufficient to determine the role of this variant in disease. Therefore, it has been classified as a Variant of Uncertain Significance. Algorithms developed to predict the effect of missense changes on protein structure and function (SIFT, PolyPhen-2, Align-GVGD) all suggest that this variant is likely to be tolerated, but these predictions have not been confirmed by published functional studies and their clinical significance is uncertain. This variant has been observed in individual(s) with tuberous sclerosis complex (PMID: 10570911). ClinVar contains an entry for this variant (Variation ID: 49283). This variant is not present in population databases (ExAC no frequency). This sequence change replaces histidine with arginine at codon 137 of the TSC2 protein (p.His137Arg). The histidine residue is moderately conserved and there is a small physicochemical difference between histidine and arginine.

Tuberous sclerosis database (TSC2)
No classification provided. Condition: TSC. Review status: no classification provided. Criteria: Tuberous Sclerosis Database Assertion Criteria 2015. Collection method: curation. Allele origin: germline. Affected: yes. Not counted in ClinVar's aggregate classification.

Literature cited by the submitters: PubMed 10570911 (cited by Labcorp Genetics (formerly Invitae), Labcorp).